The following is an entry in ClinVar:

ClinVar aggregate classification (germline): Uncertain significance. Review status: criteria provided, multiple submitters, no conflicts (2 of 4 stars). 2 submissions from 2 submitters: Uncertain significance (2). Last evaluated 2025-06-23.

Conditions:
Epilepsy, familial focal, with variable foci 2 (FFEVF2). Identifiers: MedGen C4310709, MONDO:0014924, OMIM 617116.

Submissions (2):

GeneDx
Classification: Uncertain significance. Last evaluated: 2025-06-23. Review status: criteria provided, single submitter. Criteria: GeneDx Variant Classification Process June 2021. Collection method: clinical testing. Allele origin: germline. Affected: yes.
Comment: In silico analysis supports that this missense variant has a deleterious effect on protein structure/function; Has not been previously published as pathogenic or benign to our knowledge

Revvity Omics, Revvity
Classification: Uncertain significance for Epilepsy, familial focal, with variable foci 2. Last evaluated: 2024-07-18. Review status: criteria provided, single submitter. Criteria: ACMG Guidelines, 2015. Collection method: clinical testing. Allele origin: germline.

NM_006545.5(NPRL2):c.34T>C (p.Phe12Leu)

Gene: NPRL2 (NPR2 like, GATOR1 complex subunit; minus strand). Cytogenetic location: 3p21.31.
Variant type: single nucleotide variant.
Coding change: c.34T>C on transcript NM_006545.5 (MANE Select); coding-DNA position 34, T replaced by C.
Protein change: p.Phe12Leu; replaces phenylalanine 12 with leucine.
Molecular consequence: missense variant.
Genome position (GRCh38, 1-based): chr3:50,350,619, A>G on the plus strand (T>C on the coding strand, the complement: NPRL2 is on the minus strand). VCF-style: chr3-50350619-A-G. GRCh37 (hg19) VCF-style: chr3-50388050-A-G.
Other names: short protein forms F12L.
Identifiers: ClinVar variation 4079450 (VCV004079450.2).